The following is an entry in ClinVar:

NM_000169.3(GLA):c.32delinsCCA (p.Gly11fs)

Genes: GLA (galactosidase alpha; minus strand), RPL36A-HNRNPH2 (RPL36A-HNRNPH2 readthrough; plus strand). Cytogenetic location: Xq22.1.
Variant type: Indel.
Coding change: c.32delinsCCA on transcript NM_000169.3 (MANE Select); coding-DNA position 32, G replaced by CCA.
Protein change: p.Gly11fs; shifts the reading frame from glycine 11.
Molecular consequence: frameshift variant. On other transcripts: non-coding transcript variant (3), intron variant (2).
Genome position (GRCh38, 1-based): chrX:101,407,872, C replaced by TGG on the plus strand (G replaced by CCA on the coding strand, the reverse complement: GLA is on the minus strand). VCF-style: chrX-101407872-C-TGG. GRCh37 (hg19) VCF-style: chrX-100662860-C-TGG.
Other names: c.32delinsCCA, p.Gly11fs (NM_001406747.1, NM_001406748.1, NM_001406749.1); c.301-4064delinsTGG (NM_001199973.2); c.178-4064delinsTGG (NM_001199974.2); short protein forms G11fs.
Identifiers: ClinVar variation 4974877 (VCV004974877.1).

ClinVar aggregate classification (germline): Pathogenic (1 of 4 stars; one submission).

Conditions:
Fabry disease. Also called: Fabry's disease; ALPHA-GALACTOSIDASE A DEFICIENCY; ANDERSON-FABRY DISEASE; CERAMIDE TRIHEXOSIDASE DEFICIENCY; GLA DEFICIENCY; HEREDITARY DYSTOPIC LIPIDOSIS. Identifiers: Orphanet 324, MedGen C0002986, MONDO:0010526, OMIM 301500, HP:0001071. Disease mechanism: Fabry disease is due to inactivating mutations in the X-linked GLA gene resulting in deficiency of the enzyme Alpha Galactosidase-A., loss of function.

Submission:

Genomenon, Inc
Classification: Pathogenic for Fabry disease. Last evaluated: 2026-09-08. Review status: criteria provided, single submitter. Criteria: Genomenon Sequence Variant Interpretation Standards - Updated. Collection method: curation. Allele origin: germline. Affected: yes.
Comment: GLA p.Gly11AlafsTer111 (c.32delinsCCA) is a frameshift variant that is predicted to introduce a premature termination codon and result in a truncated or absent protein product. This variant has been observed in at least one proband with clinical features consistent with Fabry disease (PMID:39390597). It is absent or not present at a significant frequency in gnomAD. In conclusion, we classify GLA p.Gly11AlafsTer111 (c.32delinsCCA) as a pathogenic variant.

Literature cited by the submitters: PubMed 39390597.